The following is an entry in ClinVar:

ClinVar aggregate classification (germline): Uncertain significance. Review status: criteria provided, multiple submitters, no conflicts (2 of 4 stars). 2 submissions from 2 submitters: Uncertain significance (2). Last evaluated 2023-12-27.

gnomAD v4.1: 18 of 1,613,700 alleles (0.0011%); highest among the groups gnomAD compares: South Asian, 0.0088%; no homozygotes.

Submissions (2):

Ambry Genetics
Classification: Uncertain significance. Last evaluated: 2023-12-27. Review status: criteria provided, single submitter. Criteria: Ambry Variant Classification Scheme 2023. Collection method: clinical testing. Allele origin: germline.

Labcorp Genetics (formerly Invitae), Labcorp
Classification: Uncertain significance. Last evaluated: 2023-10-29. Review status: criteria provided, single submitter. Criteria: Invitae Variant Classification Sherloc (09022015). Collection method: clinical testing. Allele origin: germline.
Comment: This sequence change replaces arginine, which is basic and polar, with cysteine, which is neutral and slightly polar, at codon 712 of the ANKZF1 protein (p.Arg712Cys). This variant is present in population databases (rs747177982, gnomAD 0.01%). This variant has not been reported in the literature in individuals affected with ANKZF1-related conditions. ClinVar contains an entry for this variant (Variation ID: 1517753). An algorithm developed to predict the effect of missense changes on protein structure and function (PolyPhen-2) suggests that this variant is likely to be disruptive. In summary, the available evidence is currently insufficient to determine the role of this variant in disease. Therefore, it has been classified as a Variant of Uncertain Significance.

NM_018089.3(ANKZF1):c.2134C>T (p.Arg712Cys)

Gene: ANKZF1 (ankyrin repeat and zinc finger peptidyl tRNA hydrolase 1; plus strand). Cytogenetic location: 2q35.
Variant type: single nucleotide variant.
Coding change: c.2134C>T on transcript NM_018089.3 (MANE Select); coding-DNA position 2134, C replaced by T.
Protein change: p.Arg712Cys; replaces arginine 712 with cysteine.
Molecular consequence: missense variant.
Genome position (GRCh38, 1-based): chr2:219,236,398, C>T. VCF-style: chr2-219236398-C-T. GRCh37 (hg19) VCF-style: chr2-220101120-C-T.
Other names: c.2134C>T (NM_018089.2); c.2134C>T, p.Arg712Cys (NM_001042410.2); c.1504C>T, p.Arg502Cys (NM_001282792.2); short protein forms R502C, R712C.
Identifiers: ClinVar variation 1517753 (VCV001517753.9), dbSNP rs747177982, ClinGen allele CA2121324.